The following is an entry in ClinVar:

NM_004360.5(CDH1):c.1783C>T (p.Pro595Ser)

Gene: CDH1 (cadherin 1; plus strand). Cytogenetic location: 16q22.1.
Variant type: single nucleotide variant.
Coding change: c.1783C>T on transcript NM_004360.5 (MANE Select); coding-DNA position 1783, C replaced by T.
Protein change: p.Pro595Ser; replaces proline 595 with serine.
Molecular consequence: missense variant. On other transcripts: 5 prime UTR variant (1).
Genome position (GRCh38, 1-based): chr16:68,822,072, C>T. VCF-style: chr16-68822072-C-T. GRCh37 (hg19) VCF-style: chr16-68855975-C-T.
Other names: c.1600C>T, p.Pro534Ser (NM_001317184.2); c.235C>T, p.Pro79Ser (NM_001317185.2); c.-183C>T (NM_001317186.2); c.1783C>T (LRG_301t1); short protein forms P595S, P534S, P79S.
Identifiers: ClinVar variation 463730 (VCV000463730.29), dbSNP rs755622441, ClinGen allele CA8130151.

ClinVar aggregate classification (germline): Uncertain significance. Review status: criteria provided, multiple submitters, no conflicts (2 of 4 stars). 5 submissions from 5 submitters: Uncertain significance (5). Last evaluated 2026-04-16.

Conditions:
Hereditary cancer-predisposing syndrome. Also called: Tumor predisposition; Hereditary Cancer Syndrome; Hereditary neoplastic syndrome; Neoplastic Syndromes, Hereditary. Identifiers: Orphanet 140162, MedGen C0027672, MeSH D009386, MONDO:0015356.
Hereditary diffuse gastric adenocarcinoma (HDGC). Also called: DIFFUSE GASTRIC AND LOBULAR BREAST CANCER SYNDROME. Identifiers: Orphanet 26106, MedGen C1708349, MONDO:0007648, OMIM 137215.

Allele frequency attached by ClinVar (database versions not stated): gnomAD exomes 0.00001; TOPMed 0.00001; ExAC 0.00002; gnomAD 0.00002 and 0.00003.
gnomAD v4.1: 12 of 1,614,048 alleles (0.00074%); highest among the groups gnomAD compares: African/African-American, 0.0027%; no homozygotes.

Submissions (5):

Women's Health and Genetics/Laboratory Corporation of America, LabCorp
Classification: Uncertain significance. Last evaluated: 2026-04-16. Review status: criteria provided, single submitter. Criteria: LabCorp Variant Classification Summary - May 2015. Collection method: clinical testing. Allele origin: germline.
Comment: Variant summary: CDH1 c.1783C>T (p.Pro595Ser) results in a non-conservative amino acid change in the encoded protein sequence. Algorithms developed to predict the effect of missense changes on protein structure and function are either unavailable or do not agree on the potential impact of this missense change. The variant allele was found at a frequency of 8e-06 in 251490 control chromosomes (gnomAD). The available data on variant occurrences in the general population are insufficient to allow any conclusion about variant significance. c.1783C>T has been observed in one individual affected with Breast Cancer (Rezoug_2024). These report do not provide unequivocal conclusions about association of the variant with Breast Cancer. To our knowledge, no experimental evidence demonstrating an impact on protein function has been reported. The following publication have been ascertained in the context of this evaluation (PMID: 39226054). ClinVar contains an entry for this variant (Variation ID: 463730). Based on the evidence outlined above, the variant was classified as uncertain significance.

Labcorp Genetics (formerly Invitae), Labcorp
Classification: Uncertain significance for Hereditary diffuse gastric adenocarcinoma. Last evaluated: 2025-11-20. Review status: criteria provided, single submitter. Criteria: Invitae Variant Classification Sherloc (09022015). Collection method: clinical testing. Allele origin: germline.
Comment: This sequence change replaces proline, which is neutral and non-polar, with serine, which is neutral and polar, at codon 595 of the CDH1 protein (p.Pro595Ser). This variant is present in population databases (rs755622441, gnomAD 0.006%). This variant has not been reported in the literature in individuals affected with CDH1-related conditions. ClinVar contains an entry for this variant (Variation ID: 463730). An algorithm developed to predict the effect of missense changes on protein structure and function (PolyPhen-2) suggests that this variant is likely to be disruptive. In summary, the available evidence is currently insufficient to determine the role of this variant in disease. Therefore, it has been classified as a Variant of Uncertain Significance.

Ambry Genetics
Classification: Uncertain significance for Hereditary cancer-predisposing syndrome. Last evaluated: 2025-08-23. Review status: criteria provided, single submitter. Criteria: Ambry Variant Classification Scheme 2023. Collection method: clinical testing. Allele origin: germline.
Comment: The p.P595S variant (also known as c.1783C>T), located in coding exon 12 of the CDH1 gene, results from a C to T substitution at nucleotide position 1783. The proline at codon 595 is replaced by serine, an amino acid with similar properties. This variant was reported in 2/60,466 breast cancer cases and in 0/53,461 controls (Dorling et al. N Engl J Med. 2021 02;384:428-439). This amino acid position is well conserved in available vertebrate species. In addition, this alteration is predicted to be tolerated by in silico analysis. Since supporting evidence is limited at this time, the clinical significance of this alteration remains unclear.

Center for Genomic Medicine, Rigshospitalet, Copenhagen University Hospital
Classification: Uncertain significance. Last evaluated: 2025-03-04. Review status: criteria provided, single submitter. Criteria: ACMG Guidelines, 2015. Collection method: clinical testing. Allele origin: germline.

Color Diagnostics, LLC DBA Color Health
Classification: Uncertain significance for Hereditary cancer-predisposing syndrome. Last evaluated: 2020-03-04. Review status: criteria provided, single submitter. Criteria: ACMG Guidelines, 2015. Collection method: clinical testing. Allele origin: germline.
Comment: This missense variant replaces proline with serine at codon 595 of the CDH1 protein. Splice site prediction tools suggest that this variant may not impact RNA splicing. To our knowledge, functional studies have not been reported for this variant. This variant has not been reported in individuals affected with hereditary cancer in the literature. This variant has been identified in 3/282892 chromosomes in the general population by the Genome Aggregation Database (gnomAD). The available evidence is insufficient to determine the role of this variant in disease conclusively. Therefore, this variant is classified as a Variant of Uncertain Significance.

Literature cited by the submitters: PubMed 39226054 (cited by Women's Health and Genetics/Laboratory Corporation of America, LabCorp); PubMed 33471991 (cited by Ambry Genetics).